The following is an entry in ClinVar:

NM_003730.6(RNASET2):c.333-1356T>G

Gene: RNASET2 (ribonuclease T2; minus strand). Cytogenetic location: 6q27.
Variant type: single nucleotide variant.
Coding change: c.333-1356T>G on transcript NM_003730.6 (MANE Select); 1356 bases into the intron before coding-DNA position 333, T replaced by G.
Molecular consequence: intron variant.
Genome position (GRCh38, 1-based): chr6:166,940,364, A>C on the plus strand (T>G on the coding strand, the complement: RNASET2 is on the minus strand). VCF-style: chr6-166940364-A-C. GRCh37 (hg19) VCF-style: chr6-167353852-A-C.
Identifiers: ClinVar variation 4813406 (VCV004813406.1).

ClinVar aggregate classification (germline): Uncertain significance (1 of 4 stars; one submission).

Submission:

GeneDx
Classification: Uncertain significance. Last evaluated: 2025-09-12. Review status: criteria provided, single submitter. Criteria: GeneDx Variant Classification Process June 2021. Collection method: clinical testing. Allele origin: germline. Affected: yes.
Comment: Has not been previously published as pathogenic or benign to our knowledge; No data available from control populations to assess the frequency of this variant; In silico analysis suggests this variant may impact gene splicing. In the absence of RNA/functional studies, the actual effect of this sequence change is unknown.